The following is an entry in ClinVar:

NM_152641.4(ARID2):c.5379T>A (p.His1793Gln)

Gene: ARID2 (AT-rich interaction domain 2; plus strand). Cytogenetic location: 12q12.
Variant type: single nucleotide variant.
Coding change: c.5379T>A on transcript NM_152641.4 (MANE Select); coding-DNA position 5379, T replaced by A.
Protein change: p.His1793Gln; replaces histidine 1793 with glutamine.
Molecular consequence: missense variant.
Genome position (GRCh38, 1-based): chr12:45,904,949, T>A. VCF-style: chr12-45904949-T-A. GRCh37 (hg19) VCF-style: chr12-46298732-T-A.
Other names: short protein forms H1793Q.
Identifiers: ClinVar variation 1313614 (VCV001313614.2), dbSNP rs375149291, ClinGen allele CA384452476.

ClinVar aggregate classification (germline): Uncertain significance (1 of 4 stars; one submission).

gnomAD v4.1: 2 of 1,613,670 alleles (0.00012%); highest among the groups gnomAD compares: Non-Finnish European, 0.00017%; no homozygotes.

Submission:

GeneDx
Classification: Uncertain significance. Last evaluated: 2020-11-05. Review status: criteria provided, single submitter. Criteria: GeneDx Variant Classification Process June 2021. Collection method: clinical testing. Allele origin: germline. Affected: yes.
Comment: Not observed in large population cohorts (Lek et al., 2016); In silico analysis supports that this missense variant has a deleterious effect on protein structure/function; Has not been previously published as pathogenic or benign to our knowledge